The following is an entry in ClinVar:

NC_000011.9:g.(?_532616)_(2906985_?)dup

Genes: MUC2 (mucin 2, oligomeric mucus/gel-forming; plus strand), INS (insulin; minus strand), LRRC56 (leucine rich repeat containing 56; plus strand), TALDO1 (transaldolase 1; plus strand), TNNT3 (troponin T3, fast skeletal type; plus strand) and 60 more. Cytogenetic location: 11p15.5-15.4.
Variant type: Duplication.
Identifiers: ClinVar variation 832038 (VCV000832038.1).

ClinVar aggregate classification (germline): Uncertain significance (1 of 4 stars; one submission).

Conditions:
Neuronal ceroid lipofuscinosis. Also called: Neuronal Ceroid Lipofuscinoses. Identifiers: Orphanet 216, Orphanet 79263, MedGen C0027877, MONDO:0016295. Disease mechanism: loss of function.

Submission:

Labcorp Genetics (formerly Invitae), Labcorp
Classification: Uncertain significance for Neuronal ceroid lipofuscinosis. Last evaluated: 2019-01-31. Review status: criteria provided, single submitter. Criteria: Invitae Variant Classification Sherloc (09022015). Collection method: clinical testing. Allele origin: germline.
Comment: This variant results in a copy number gain of the genomic region encompassing the full coding sequence of the CTSD gene. The boundaries of this event are unknown as they extend beyond the assayed region for this gene and therefore may encompass additional genes. As the precise location of this event is unknown, it may be in tandem or it may be located elsewhere in the genome. This variant has not been reported in the literature in individuals with CTSD-related conditions. In summary, the available evidence is currently insufficient to determine the role of this variant in disease. Therefore, it has been classified as a Variant of Uncertain Significance.